The following is an entry in ClinVar:

NM_005502.4(ABCA1):c.2720T>C (p.Val907Ala)

Gene: ABCA1 (ATP binding cassette subfamily A member 1; minus strand). Cytogenetic location: 9q31.1.
Variant type: single nucleotide variant.
Coding change: c.2720T>C on transcript NM_005502.4 (MANE Select); coding-DNA position 2720, T replaced by C.
Protein change: p.Val907Ala; replaces valine 907 with alanine.
Molecular consequence: missense variant.
Genome position (GRCh38, 1-based): chr9:104,822,604, A>G on the plus strand (T>C on the coding strand, the complement: ABCA1 is on the minus strand). VCF-style: chr9-104822604-A-G. GRCh37 (hg19) VCF-style: chr9-107584885-A-G.
Other names: short protein forms V907A.
Identifiers: ClinVar variation 3935207 (VCV003935207.1).
Genomic context (GRCh38, chr9:104,822,604, plus strand): 5'-TGGCCCTCATAAAAATTCAGTGCCAGGCCATCGACAGCCACCTTCATCCCATCTCGGTAG[A>G]CTTTTACCAGGTTCTGAATGGACACGCCCAGCTTCAAGTGGGTGGGTTCCTCCTCCATGC-3'
Protein context (NP_005493.2, residues 897-917): LGVSIQNLVK[Val907Ala]YRDGMKVAVD

ClinVar aggregate classification (germline): Uncertain significance (1 of 4 stars; one submission).

Conditions:
Cardiovascular phenotype. Identifiers: MedGen CN230736.

Submission:

Ambry Genetics
Classification: Uncertain significance for Cardiovascular phenotype. Last evaluated: 2025-04-13. Review status: criteria provided, single submitter. Criteria: Ambry Variant Classification Scheme 2023. Collection method: clinical testing. Allele origin: germline.
Comment: The p.V907A variant (also known as c.2720T>C), located in coding exon 18 of the ABCA1 gene, results from a T to C substitution at nucleotide position 2720. The valine at codon 907 is replaced by alanine, an amino acid with similar properties. This amino acid position is conserved. In addition, the in silico prediction for this alteration is inconclusive. Based on the available evidence, the clinical significance of this variant remains unclear.